The following is an entry in ClinVar:

ClinVar aggregate classification (germline): Benign. Review status: criteria provided, multiple submitters, no conflicts (2 of 4 stars). 5 submissions from 5 submitters: Benign (5). Last evaluated 2026-02-04.

Allele frequency attached by ClinVar (database versions not stated): gnomAD 0.13209 and 0.13498; 1000 Genomes Project 30x 0.08479; gnomAD exomes 0.12152; TOPMed 0.12936; 1000 Genomes Project 0.08626; ExAC 0.12028.
gnomAD v4.1: 228,774 of 1,549,744 alleles (15%); highest among the groups gnomAD compares: Middle Eastern, 19%; 17,927 homozygotes.

Submissions (5):

Labcorp Genetics (formerly Invitae), Labcorp
Classification: Benign. Last evaluated: 2026-02-04. Review status: criteria provided, single submitter. Criteria: Invitae Variant Classification Sherloc (09022015). Collection method: clinical testing. Allele origin: germline.

Mayo Clinic Laboratories, Mayo Clinic
Classification: Benign. Last evaluated: 2020-10-20. Review status: criteria provided, single submitter. Criteria: ACMG Guidelines, 2015. Collection method: clinical testing. Allele origin: germline. Observed: 35 variant alleles.

GeneDx
Classification: Benign. Last evaluated: 2017-08-03. Review status: criteria provided, single submitter. Criteria: GeneDx Variant Classification (06012015). Collection method: clinical testing. Allele origin: germline. Affected: yes.
Comment: This variant is considered likely benign or benign based on one or more of the following criteria: it is a conservative change, it occurs at a poorly conserved position in the protein, it is predicted to be benign by multiple in silico algorithms, and/or has population frequency not consistent with disease.

Laboratory for Molecular Medicine, Mass General Brigham Personalized Medicine
Classification: Benign. Last evaluated: 2014-11-24. Review status: criteria provided, single submitter. Criteria: LMM Criteria. Collection method: clinical testing. Allele origin: germline. Observed: 249 variant alleles.
Comment: Thr375Ser in exon 9 of OTOG: This variant is not expected to have clinical signi ficance because it has been identified in 18.5% (33/178) of English and Scottish chromosomes from a broad population by the 1000 Genomes Project (i.; dbSNP rs7130190).

Breakthrough Genomics
Classification: Benign. Review status: criteria provided, single submitter. Criteria: ACMG Guidelines, 2015. Collection method: not provided. Allele origin: germline. Inheritance: Autosomal recessive inheritance. Affected: yes.

NM_001292063.2(OTOG):c.1087A>T (p.Thr363Ser)

Gene: OTOG (otogelin; plus strand). Cytogenetic location: 11p15.1.
Variant type: single nucleotide variant.
Coding change: c.1087A>T on transcript NM_001292063.2 (MANE Select); coding-DNA position 1087, A replaced by T.
Protein change: p.Thr363Ser; replaces threonine 363 with serine.
Molecular consequence: missense variant.
Genome position (GRCh38, 1-based): chr11:17,558,628, A>T. VCF-style: chr11-17558628-A-T. GRCh37 (hg19) VCF-style: chr11-17580175-A-T.
Other names: c.1123A>T, p.Thr375Ser (NM_001277269.2); short protein forms T375S, T363S.
Identifiers: ClinVar variation 226860 (VCV000226860.15), dbSNP rs7130190, ClinGen allele CA5905446.
Genomic context (GRCh38, chr11:17,558,628, plus strand): 5'-CGGCCCCCCTTTGACGCCTGCCACGCCTACGTCAGCCCTCTGCCCTTCACAGCCAGTTGT[A>T]CCAGTGATCTCTGCCAGTGAGTAGGGGTGGTGTGGGCTATGGGGAACCCTCTAGTATTGG-3'
Protein context (NP_001278992.1, residues 353-373): VSPLPFTASC[Thr363Ser]SDLCQSMGDV